The following is an entry in ClinVar:

NM_014265.6(ADAM28):c.1452T>C (p.Asn484=)

Genes: ADAM28 (ADAM metallopeptidase domain 28; plus strand), ADAM7-AS1 (ADAM7, ADAMDEC1 and ADAM28 antisense RNA 1; minus strand). Cytogenetic location: 8p21.2.
Variant type: single nucleotide variant.
Coding change: c.1452T>C on transcript NM_014265.6 (MANE Select); coding-DNA position 1452, T replaced by C.
Protein change: p.Asn484=; no amino-acid change (asparagine 484 retained).
Molecular consequence: synonymous variant. On other transcripts: non-coding transcript variant (2).
Genome position (GRCh38, 1-based): chr8:24,335,526, T>C. VCF-style: chr8-24335526-T-C. GRCh37 (hg19) VCF-style: chr8-24193039-T-C.
Other names: c.1452T>C, p.Asn484= (NM_001304351.2, NM_021777.5).
Identifiers: ClinVar variation 713475 (VCV000713475.27), dbSNP rs150239663, ClinGen allele CA4678757.
Genomic context (GRCh38, chr8:24,335,526, plus strand): 5'-GTGCAGACCAGCAAAAGATGAGTGCGACCTGCCTGAAATGTGTAATGGTAAATCTGGTAA[T>C]TGTCCTGATGATAGATTCCAAGTCAATGGCTTCCCTTGCCATCACGGGAAGGGCCACTGC-3'
Protein context (NP_055080.2, residues 474-494): LPEMCNGKSG[Asn484=]CPDDRFQVNG

ClinVar aggregate classification (germline): Likely benign. Review status: criteria provided, multiple submitters, no conflicts (2 of 4 stars). 2 submissions from 2 submitters: Likely benign (2). Last evaluated 2022-11-01.

Allele frequency attached by ClinVar (database versions not stated): 1000 Genomes Project 30x 0.00016; 1000 Genomes Project 0.00020; ExAC 0.00035; ESP Exome Variant Server 0.00038; TOPMed 0.00041; gnomAD exomes 0.00043 and 0.00077; gnomAD 0.00050 and 0.00051.
gnomAD v4.1: 1,205 of 1,614,162 alleles (0.075%); highest among the groups gnomAD compares: Non-Finnish European, 0.093%; no homozygotes.

Submissions (2):

CeGaT Center for Human Genetics Tuebingen
Classification: Likely benign. Last evaluated: 2022-11-01. Review status: criteria provided, single submitter. Criteria: CeGaT Center For Human Genetics Tuebingen Variant Classification Criteria Version 2. Collection method: clinical testing. Allele origin: germline. Affected: yes. Observed: 1 variant allele.
Comment: ADAM28: BP4, BP7

Labcorp Genetics (formerly Invitae), Labcorp
Classification: Likely benign. Last evaluated: 2018-03-15. Review status: criteria provided, single submitter. Criteria: Invitae Variant Classification Sherloc (09022015). Collection method: clinical testing. Allele origin: germline.